The following is an entry in ClinVar:

NM_003801.4(GPAA1):c.377G>A (p.Gly126Asp)

Gene: GPAA1 (glycosylphosphatidylinositol anchor attachment 1; plus strand). Cytogenetic location: 8q24.3.
Variant type: single nucleotide variant.
Coding change: c.377G>A on transcript NM_003801.4 (MANE Select); coding-DNA position 377, G replaced by A.
Protein change: p.Gly126Asp; replaces glycine 126 with aspartic acid.
Molecular consequence: missense variant.
Genome position (GRCh38, 1-based): chr8:144,083,724, G>A. VCF-style: chr8-144083724-G-A. GRCh37 (hg19) VCF-style: chr8-145138627-G-A.
Other names: short protein forms G126D.
Identifiers: ClinVar variation 1439257 (VCV001439257.4), dbSNP rs782253663, ClinGen allele CA4932807.

ClinVar aggregate classification (germline): Uncertain significance (1 of 4 stars; one submission).

Allele frequency attached by ClinVar (database versions not stated): ExAC 0.00002; gnomAD exomes 0.00002 and 0.00008; TOPMed 0.00002; gnomAD 0.00004.

Submission:

Labcorp Genetics (formerly Invitae), Labcorp
Classification: Uncertain significance. Last evaluated: 2024-02-09. Review status: criteria provided, single submitter. Criteria: Invitae Variant Classification Sherloc (09022015). Collection method: clinical testing. Allele origin: germline.
Comment: This sequence change replaces glycine, which is neutral and non-polar, with aspartic acid, which is acidic and polar, at codon 126 of the GPAA1 protein (p.Gly126Asp). The frequency data for this variant in the population databases is considered unreliable, as metrics indicate poor data quality at this position in the gnomAD database. This variant has not been reported in the literature in individuals affected with GPAA1-related conditions. ClinVar contains an entry for this variant (Variation ID: 1439257). Advanced modeling of protein sequence and biophysical properties (such as structural, functional, and spatial information, amino acid conservation, physicochemical variation, residue mobility, and thermodynamic stability) performed at Invitae indicates that this missense variant is expected to disrupt GPAA1 protein function with a positive predictive value of 80%. In summary, the available evidence is currently insufficient to determine the role of this variant in disease. Therefore, it has been classified as a Variant of Uncertain Significance.